The following is an entry in ClinVar:

NM_006929.5(SKIC2):c.2993G>A (p.Gly998Asp)

Gene: SKIC2 (SKI2 subunit of superkiller complex; plus strand). Cytogenetic location: 6p21.33.
Variant type: single nucleotide variant.
Coding change: c.2993G>A on transcript NM_006929.5 (MANE Select); coding-DNA position 2993, G replaced by A.
Protein change: p.Gly998Asp; replaces glycine 998 with aspartic acid.
Molecular consequence: missense variant.
Genome position (GRCh38, 1-based): chr6:31,968,462, G>A. VCF-style: chr6-31968462-G-A. GRCh37 (hg19) VCF-style: chr6-31936239-G-A.
Other names: short protein forms G998D.
Identifiers: ClinVar variation 1347446 (VCV001347446.5), dbSNP rs1660965372, ClinGen allele CA363481342.

ClinVar aggregate classification (germline): Uncertain significance (1 of 4 stars; one submission).

Allele frequency attached by ClinVar (database versions not stated): gnomAD 0.00001; TOPMed 0.00003.
gnomAD v4.1: 5 of 1,612,882 alleles (0.00031%); highest among the groups gnomAD compares: Admixed American, 0.0017%; no homozygotes.

Submission:

Labcorp Genetics (formerly Invitae), Labcorp
Classification: Uncertain significance. Last evaluated: 2021-08-24. Review status: criteria provided, single submitter. Criteria: Invitae Variant Classification Sherloc (09022015). Collection method: clinical testing. Allele origin: germline.
Comment: This sequence change replaces glycine with aspartic acid at codon 998 of the SKIV2L protein (p.Gly998Asp). The glycine residue is weakly conserved and there is a moderate physicochemical difference between glycine and aspartic acid. This variant is not present in population databases (ExAC no frequency). This variant has not been reported in the literature in individuals affected with SKIV2L-related conditions. Algorithms developed to predict the effect of missense changes on protein structure and function (SIFT, PolyPhen-2, Align-GVGD) all suggest that this variant is likely to be tolerated. In summary, the available evidence is currently insufficient to determine the role of this variant in disease. Therefore, it has been classified as a Variant of Uncertain Significance.